The following is an entry in ClinVar:

ClinVar aggregate classification (germline): Uncertain significance (1 of 4 stars; one submission).

Conditions:
Neuropathy, hereditary sensory and autonomic, type 2A (HSAN2A). Also called: ACROOSTEOLYSIS, GIACCAI TYPE; ACROOSTEOLYSIS, NEUROGENIC; MORVAN DISEASE; NEUROPATHY, CONGENITAL SENSORY; NEUROPATHY, HEREDITARY SENSORY RADICULAR, AUTOSOMAL RECESSIVE; NEUROPATHY, HEREDITARY SENSORY, TYPE IIA. Identifiers: Orphanet 970, MedGen C2752089, MONDO:0024309, OMIM 201300.
Pseudohypoaldosteronism type 2C (PHA2C). Also called: Pseudohypoaldosteronism Type IIC. Identifiers: Orphanet 757, Orphanet 88940, MedGen C1840391, MONDO:0013778, OMIM 614492.

gnomAD v4.1: 1 of 1,613,978 alleles (0.000062%); no homozygotes.

Submission:

Labcorp Genetics (formerly Invitae), Labcorp
Classification: Uncertain significance for Neuropathy, hereditary sensory and autonomic, type 2A; Pseudohypoaldosteronism type 2C. Last evaluated: 2022-12-10. Review status: criteria provided, single submitter. Criteria: Invitae Variant Classification Sherloc (09022015). Collection method: clinical testing. Allele origin: germline.
Comment: In summary, the available evidence is currently insufficient to determine the role of this variant in disease. Therefore, it has been classified as a Variant of Uncertain Significance. Advanced modeling of protein sequence and biophysical properties (such as structural, functional, and spatial information, amino acid conservation, physicochemical variation, residue mobility, and thermodynamic stability) performed at Invitae indicates that this missense variant is not expected to disrupt WNK1 protein function. This variant has not been reported in the literature in individuals affected with WNK1-related conditions. This variant is not present in population databases (gnomAD no frequency). This sequence change replaces asparagine, which is neutral and polar, with histidine, which is basic and polar, at codon 1126 of the WNK1 protein (p.Asn1126His).

NM_213655.5(WNK1):c.3376A>C (p.Asn1126His)

Gene: WNK1 (WNK lysine deficient protein kinase 1; plus strand). Cytogenetic location: 12p13.33.
Variant type: single nucleotide variant.
Coding change: c.3376A>C on transcript NM_213655.5 (MANE Plus Clinical); coding-DNA position 3376, A replaced by C.
Protein change: p.Asn1126His; replaces asparagine 1126 with histidine.
Molecular consequence: missense variant. On other transcripts: intron variant (2).
Genome position (GRCh38, 1-based): chr12:868,847, A>C. VCF-style: chr12-868847-A-C. GRCh37 (hg19) VCF-style: chr12-978013-A-C.
Other names: c.3121A>C, p.Asn1041His (NM_001184985.2); c.2140-2418A>C (NM_018979.4, NM_014823.3); short protein forms N1126H, N1041H.
Identifiers: ClinVar variation 2942193 (VCV002942193.3), dbSNP rs2548802972, ClinGen allele CA383341965.
Genomic context (GRCh38, chr12:868,847, plus strand): 5'-GAAAAGCATAATTACCATGCCCCAGAATTGACCGTTTCTGTGGTAGAGCCTATCGGACAG[A>C]ACTGGCCAATAGGAAGCCCAGAATATTCCAGTGATTCCTCACAAATCACTTCTTCAGACC-3'
Protein context (NP_998820.3, residues 1116-1136): TVSVVEPIGQ[Asn1126His]WPIGSPEYSS